The following is an entry in ClinVar:

ClinVar aggregate classification (germline): Uncertain significance (1 of 4 stars; one submission).

Submission:

Women's Health and Genetics/Laboratory Corporation of America, LabCorp
Classification: Uncertain significance. Last evaluated: 2026-06-12. Review status: criteria provided, single submitter. Criteria: LabCorp Variant Classification Summary - May 2015. Collection method: clinical testing. Allele origin: germline.
Comment: Variant summary: KAT5 c.143T>C (p.Ile48Thr) results in a non-conservative amino acid change in the encoded protein sequence. Algorithms developed to predict the effect of missense changes on protein structure and function are either unavailable or do not agree on the potential impact of this missense change. The variant was absent in 251476 control chromosomes. The available data on variant occurrences in the general population are insufficient to allow any conclusion about variant significance. To our knowledge, no occurrence of c.143T>C in individuals affected with KAT5-related conditions and no experimental evidence demonstrating its impact on protein function have been reported. No submitters have cited clinical-significance assessments for this variant to ClinVar. Based on the evidence outlined above, the variant was classified as uncertain significance.

NM_182710.3(KAT5):c.242T>C (p.Ile81Thr)

Gene: KAT5 (lysine acetyltransferase 5; plus strand). Cytogenetic location: 11q13.1.
Variant type: single nucleotide variant.
Coding change: c.242T>C on transcript NM_182710.3 (MANE Select); coding-DNA position 242, T replaced by C.
Protein change: p.Ile81Thr; replaces isoleucine 81 with threonine.
Molecular consequence: missense variant.
Genome position (GRCh38, 1-based): chr11:65,712,829, T>C. VCF-style: chr11-65712829-T-C. GRCh37 (hg19) VCF-style: chr11-65480300-T-C.
Other names: c.242T>C, p.Ile81Thr (NM_001206833.2); c.143T>C, p.Ile48Thr (NM_006388.4, NM_182709.3); short protein forms I48T, I81T.
Identifiers: ClinVar variation 4887314 (VCV004887314.1).